The following is an entry in ClinVar:

ClinVar aggregate classification (germline): Uncertain significance (1 of 4 stars; one submission).

Conditions:
Hereditary cancer-predisposing syndrome. Also called: Neoplastic Syndromes, Hereditary; Tumor predisposition; Hereditary neoplastic syndrome; Hereditary Cancer Syndrome. Identifiers: Orphanet 140162, MedGen C0027672, MeSH D009386, MONDO:0015356.

Submission:

Ambry Genetics
Classification: Uncertain significance for Hereditary cancer-predisposing syndrome. Last evaluated: 2023-11-15. Review status: criteria provided, single submitter. Criteria: Ambry Variant Classification Scheme 2023. Collection method: clinical testing. Allele origin: germline.
Comment: The p.F1241S variant (also known as c.3722T>C), located in coding exon 10 of the BRCA2 gene, results from a T to C substitution at nucleotide position 3722. The phenylalanine at codon 1241 is replaced by serine, an amino acid with highly dissimilar properties. This amino acid position is highly conserved in available vertebrate species. In addition, this alteration is predicted to be deleterious by in silico analysis. Since supporting evidence is limited at this time, the clinical significance of this alteration remains unclear.

NM_000059.4(BRCA2):c.3722T>C (p.Phe1241Ser)

Gene: BRCA2 (BRCA2 DNA repair associated; plus strand). Cytogenetic location: 13q13.1.
Variant type: single nucleotide variant.
Coding change: c.3722T>C on transcript NM_000059.4 (MANE Select); coding-DNA position 3722, T replaced by C.
Protein change: p.Phe1241Ser; replaces phenylalanine 1241 with serine.
Molecular consequence: missense variant. On other transcripts: non-coding transcript variant (1), intron variant (2).
Genome position (GRCh38, 1-based): chr13:32,338,077, T>C. VCF-style: chr13-32338077-T-C. GRCh37 (hg19) VCF-style: chr13-32912214-T-C.
Other names: c.3722T>C, p.Phe1241Ser (NM_001406719.1, NM_001406720.1); c.1909+4690T>C (NM_001406721.1); c.425-6481T>C (NM_001406722.1); short protein forms F1241S.
Identifiers: ClinVar variation 3226349 (VCV003226349.1), dbSNP rs2137499362, ClinGen allele CA387778089.
Genomic context (GRCh38, chr13:32,338,077, plus strand): 5'-CTGCTCATGGCACAAAACTGAATGTTTCTACTGAAGCTCTGCAAAAAGCTGTGAAACTGT[T>C]TAGTGATATTGAGAATATTAGTGAGGAAACTTCTGCAGAGGTACATCCAATAAGTTTATC-3'
Protein context (NP_000050.3, residues 1231-1251): TEALQKAVKL[Phe1241Ser]SDIENISEET